The following is an entry in ClinVar:

NM_001385079.1(PDE10A):c.1796+9A>T

Gene: PDE10A (phosphodiesterase 10A; minus strand). Cytogenetic location: 6q27.
Variant type: single nucleotide variant.
Coding change: c.1796+9A>T on transcript NM_001385079.1 (MANE Select); 9 bases into the intron after coding-DNA position 1796, A replaced by T.
Molecular consequence: intron variant.
Genome position (GRCh38, 1-based): chr6:165,418,626, T>A on the plus strand (A>T on the coding strand, the complement: PDE10A is on the minus strand). VCF-style: chr6-165418626-T-A. GRCh37 (hg19) VCF-style: chr6-165832114-T-A.
Other names: p.?; c.998+9A>T (NM_001130690.2, NM_001130690.3); c.968+9A>T (NM_006661.4).
Identifiers: ClinVar variation 1166151 (VCV001166151.12), dbSNP rs77122094, ClinGen allele CA4092293.

ClinVar aggregate classification (germline): Benign. Review status: criteria provided, multiple submitters, no conflicts (2 of 4 stars). 3 submissions from 3 submitters: Benign (2). 1 of the submissions does not count toward it. Last evaluated 2026-02-02.

Conditions:
PDE10A-related disorder. Also called: PDE10A-related condition.

Allele frequency attached by ClinVar (database versions not stated): 1000 Genomes Project 0.00479; 1000 Genomes Project 30x 0.00515; gnomAD 0.01034 and 0.01065; TOPMed 0.01059; gnomAD exomes 0.01081 and 0.01489; ExAC 0.01145; ESP Exome Variant Server 0.01338.
gnomAD v4.1: 23,077 of 1,610,734 alleles (1.4%); highest among the groups gnomAD compares: Non-Finnish European, 1.7%; 193 homozygotes.

Submissions (3):

Labcorp Genetics (formerly Invitae), Labcorp
Classification: Benign. Last evaluated: 2026-02-02. Review status: criteria provided, single submitter. Criteria: Invitae Variant Classification Sherloc (09022015). Collection method: clinical testing. Allele origin: germline.

Mayo Clinic Laboratories, Mayo Clinic
Classification: Benign. Last evaluated: 2023-02-02. Review status: criteria provided, single submitter. Criteria: ACMG Guidelines, 2015. Collection method: clinical testing. Allele origin: germline. Observed: 20 variant alleles.
Comment: BS1, BS2, BP4, BP7

PreventionGenetics, part of Exact Sciences
Classification: Benign for PDE10A-related condition. Last evaluated: 2019-07-18. Review status: no assertion criteria provided. Collection method: clinical testing. Allele origin: germline. Not counted in ClinVar's aggregate classification.
Comment: This variant is classified as benign based on ACMG/AMP sequence variant interpretation guidelines (Richards et al. 2015 PMID: 25741868, with internal and published modifications).